The following is an entry in ClinVar:

NM_001376.5(DYNC1H1):c.4419T>C (p.Tyr1473=)

Gene: DYNC1H1 (dynein cytoplasmic 1 heavy chain 1; plus strand). Cytogenetic location: 14q32.31.
Variant type: single nucleotide variant.
Coding change: c.4419T>C on transcript NM_001376.5 (MANE Select); coding-DNA position 4419, T replaced by C.
Protein change: p.Tyr1473=; no amino-acid change (tyrosine 1473 retained).
Molecular consequence: synonymous variant.
Genome position (GRCh38, 1-based): chr14:102,001,558, T>C. VCF-style: chr14-102001558-T-C. GRCh37 (hg19) VCF-style: chr14-102467895-T-C.
Identifiers: ClinVar variation 515422 (VCV000515422.33), dbSNP rs747519168, ClinGen allele CA7352237.
Genomic context (GRCh38, chr14:102,001,558, plus strand): 5'-CATATTGATAACATGCATCTTTCTGGTTTGAATTCAGATAAGAGAAGTGTGGAATACTTA[T>C]GAACTAGACTTGGTTAATTATCAGAACAAGTGCCGCTTGATCCGTGGCTGGGATGACCTC-3'
Protein context (NP_001367.2, residues 1463-1483): LKQIREVWNT[Tyr1473=]ELDLVNYQNK

ClinVar aggregate classification (germline): Likely benign. Review status: criteria provided, multiple submitters, no conflicts (2 of 4 stars). 3 submissions from 3 submitters: Likely benign (3). Last evaluated 2025-11-06.

Conditions:
Charcot-Marie-Tooth disease axonal type 2O. Also called: CHARCOT-MARIE-TOOTH NEUROPATHY, AXONAL, TYPE 2O; CHARCOT-MARIE-TOOTH DISEASE, AXONAL, AUTOSOMAL DOMINANT, TYPE 2O; Charcot-Marie-Tooth disease, axonal, type 20; Charcot-Marie-Tooth Neuropathy Type 2O. Identifiers: Orphanet 284232, MedGen C3280220, MONDO:0013644, OMIM 614228.

Allele frequency attached by ClinVar (database versions not stated): gnomAD 0.00001; gnomAD exomes 0.00001; ExAC 0.00002; TOPMed 0.00002.
gnomAD v4.1: 37 of 1,614,066 alleles (0.0023%); highest among the groups gnomAD compares: Non-Finnish European, 0.0029%; no homozygotes.

Submissions (3):

Labcorp Genetics (formerly Invitae), Labcorp
Classification: Likely benign for Charcot-Marie-Tooth disease axonal type 2O. Last evaluated: 2025-11-06. Review status: criteria provided, single submitter. Criteria: Invitae Variant Classification Sherloc (09022015). Collection method: clinical testing. Allele origin: germline.

CeGaT Center for Human Genetics Tuebingen
Classification: Likely benign. Last evaluated: 2022-12-01. Review status: criteria provided, single submitter. Criteria: CeGaT Center For Human Genetics Tuebingen Variant Classification Criteria Version 2. Collection method: clinical testing. Allele origin: germline. Affected: yes. Observed: 1 variant allele.
Comment: DYNC1H1: BP4, BP7

GeneDx
Classification: Likely benign. Last evaluated: 2018-02-16. Review status: criteria provided, single submitter. Criteria: GeneDx Variant Classification (06012015). Collection method: clinical testing. Allele origin: germline. Affected: yes.
Comment: This variant is considered likely benign or benign based on one or more of the following criteria: it is a conservative change, it occurs at a poorly conserved position in the protein, it is predicted to be benign by multiple in silico algorithms, and/or has population frequency not consistent with disease.